The following is an entry in ClinVar:

NM_000363.5(TNNI3):c.550-2A>T

Gene: TNNI3 (troponin I3, cardiac type; minus strand). Cytogenetic location: 19q13.42.
Variant type: single nucleotide variant.
Coding change: c.550-2A>T on transcript NM_000363.5 (MANE Select); the canonical splice acceptor site of the intron before coding-DNA position 550, A replaced by T.
Molecular consequence: splice acceptor variant.
Genome position (GRCh38, 1-based): chr19:55,151,919, T>A on the plus strand (A>T on the coding strand, the complement: TNNI3 is on the minus strand). VCF-style: chr19-55151919-T-A. GRCh37 (hg19) VCF-style: chr19-55663287-T-A.
Identifiers: ClinVar variation 1951419 (VCV001951419.6), dbSNP rs2147281763, ClinGen allele CA407439706.

ClinVar aggregate classification (germline): Uncertain significance. Review status: criteria provided, multiple submitters, no conflicts (2 of 4 stars). 2 submissions from 2 submitters: Uncertain significance (2). Last evaluated 2024-09-11.

Conditions:
Hypertrophic cardiomyopathy. Also called: HYPERTROPHIC MYOCARDIOPATHY. Identifiers: Orphanet 217569, MedGen C0007194, MeSH D002312, MONDO:0005045, HP:0001639.

Submissions (2):

GeneDx
Classification: Uncertain significance. Last evaluated: 2024-09-11. Review status: criteria provided, single submitter. Criteria: GeneDx Variant Classification Process June 2021. Collection method: clinical testing. Allele origin: germline. Affected: yes.
Comment: Canonical splice site variant with an unclear effect on protein function; Not observed at significant frequency in large population cohorts (gnomAD); Has not been previously published as pathogenic or benign to our knowledge

Labcorp Genetics (formerly Invitae), Labcorp
Classification: Uncertain significance for Hypertrophic cardiomyopathy. Last evaluated: 2022-12-24. Review status: criteria provided, single submitter. Criteria: Invitae Variant Classification Sherloc (09022015). Collection method: clinical testing. Allele origin: germline.
Comment: This sequence change falls in intron 7 of the TNNI3 gene. It does not directly change the encoded amino acid sequence of the TNNI3 protein. It affects a nucleotide within the consensus splice site. This variant is not present in population databases (gnomAD no frequency). This variant has not been reported in the literature in individuals affected with TNNI3-related conditions. Variants that disrupt the consensus splice site are a relatively common cause of aberrant splicing (PMID: 17576681, 9536098). Algorithms developed to predict the effect of sequence changes on RNA splicing suggest that this variant may disrupt the consensus splice site. In summary, the available evidence is currently insufficient to determine the role of this variant in disease. Therefore, it has been classified as a Variant of Uncertain Significance.

Literature cited by the submitters: PubMed 17576681 (cited by Labcorp Genetics (formerly Invitae), Labcorp); PubMed 9536098 (cited by Labcorp Genetics (formerly Invitae), Labcorp).